The following is an entry in ClinVar:

ClinVar aggregate classification (germline): Likely benign. Review status: criteria provided, multiple submitters, no conflicts (2 of 4 stars). 2 submissions from 2 submitters: Likely benign (2). Last evaluated 2025-07-16.

Conditions:
LRP5-related disorder. Also called: LRP5-related condition.

Allele frequency attached by ClinVar (database versions not stated): gnomAD exomes 0.00001; ExAC 0.00002.
gnomAD v4.1: 8 of 1,614,110 alleles (0.0005%); highest among the groups gnomAD compares: South Asian, 0.0033%; no homozygotes.

Submissions (2):

PreventionGenetics, part of Exact Sciences
Classification: Likely benign for LRP5-related condition. Last evaluated: 2025-07-16. Review status: criteria provided, single submitter. Criteria: ACMG Guidelines, 2015. Collection method: clinical testing. Allele origin: germline.
Comment: This variant is classified as likely benign based on ACMG/AMP sequence variant interpretation guidelines (Richards et al. 2015 PMID: 25741868, with internal and published modifications).

Labcorp Genetics (formerly Invitae), Labcorp
Classification: Likely benign. Last evaluated: 2022-12-12. Review status: criteria provided, single submitter. Criteria: Invitae Variant Classification Sherloc (09022015). Collection method: clinical testing. Allele origin: germline.

NM_002335.4(LRP5):c.4125G>A (p.Pro1375=)

Gene: LRP5 (LDL receptor related protein 5; plus strand). Cytogenetic location: 11q13.2.
Variant type: single nucleotide variant.
Coding change: c.4125G>A on transcript NM_002335.4 (MANE Select); coding-DNA position 4125, G replaced by A.
Protein change: p.Pro1375=; no amino-acid change (proline 1375 retained).
Molecular consequence: synonymous variant.
Genome position (GRCh38, 1-based): chr11:68,438,459, G>A. VCF-style: chr11-68438459-G-A. GRCh37 (hg19) VCF-style: chr11-68205927-G-A.
Other names: c.2382G>A, p.Pro794= (NM_001291902.2); c.4125G>A (NM_002335.3).
Identifiers: ClinVar variation 3011864 (VCV003011864.4), dbSNP rs768672207, ClinGen allele CA6150260.
Genomic context (GRCh38, chr11:68,438,459, plus strand): 5'-TCCGTTGGGGTTAATGTTGGCCACCTCTTTCTGTTTGTCTCTGGCAGAAATCACCAAGCC[G>A]CCCTCAGACGACAGCCCGGCCCACAGCAGTGCCATCGGGCCCGTCATTGGCATCATCCTC-3'
Protein context (NP_002326.2, residues 1365-1385): SDELMCEITK[Pro1375=]PSDDSPAHSS